The following is an entry in ClinVar:

NM_000321.3(RB1):c.799C>G (p.Leu267Val)

Gene: RB1 (RB transcriptional corepressor 1; plus strand). Cytogenetic location: 13q14.2.
Variant type: single nucleotide variant.
Coding change: c.799C>G on transcript NM_000321.3 (MANE Select); coding-DNA position 799, C replaced by G.
Protein change: p.Leu267Val; replaces leucine 267 with valine.
Molecular consequence: missense variant.
Genome position (GRCh38, 1-based): chr13:48,362,895, C>G. VCF-style: chr13-48362895-C-G. GRCh37 (hg19) VCF-style: chr13-48937031-C-G.
Other names: short protein forms L267V.
Identifiers: ClinVar variation 660006 (VCV000660006.8), dbSNP rs1593445172, ClinGen allele CA388159480.

ClinVar aggregate classification (germline): Uncertain significance (1 of 4 stars; one submission).

Conditions:
Retinoblastoma (RB1). Also called: RETINOBLASTOMA, SOMATIC. Identifiers: Orphanet 790, MedGen C0035335, MeSH D012175, MONDO:0008380, OMIM 180200, HP:0009919. Disease mechanism: loss of function. Inheritance: Both sporadic and heritable forms are tested..

Submission:

Labcorp Genetics (formerly Invitae), Labcorp
Classification: Uncertain significance for Retinoblastoma. Last evaluated: 2018-10-23. Review status: criteria provided, single submitter. Criteria: Invitae Variant Classification Sherloc (09022015). Collection method: clinical testing. Allele origin: germline.
Comment: This variant is not present in population databases (ExAC no frequency). This sequence change replaces leucine with valine at codon 267 of the RB1 protein (p.Leu267Val). The leucine residue is moderately conserved and there is a small physicochemical difference between leucine and valine. This variant has not been reported in the literature in individuals with RB1-related disease. Algorithms developed to predict the effect of missense changes on protein structure and function (SIFT, PolyPhen-2, Align-GVGD) all suggest that this variant is likely to be tolerated, but these predictions have not been confirmed by published functional studies and their clinical significance is uncertain. In summary, the available evidence is currently insufficient to determine the role of this variant in disease. Therefore, it has been classified as a Variant of Uncertain Significance.